The following is an entry in ClinVar:

NM_017433.5(MYO3A):c.4609G>T (p.Glu1537Ter)

Gene: MYO3A (myosin IIIA; plus strand). Cytogenetic location: 10p12.1.
Variant type: single nucleotide variant.
Coding change: c.4609G>T on transcript NM_017433.5 (MANE Select); coding-DNA position 4609, G replaced by T.
Protein change: p.Glu1537Ter; replaces glutamic acid 1537 with a stop codon.
Molecular consequence: nonsense.
Genome position (GRCh38, 1-based): chr10:26,202,986, G>T. VCF-style: chr10-26202986-G-T. GRCh37 (hg19) VCF-style: chr10-26491915-G-T.
Other names: short protein forms E1537*.
Identifiers: ClinVar variation 4755770 (VCV004755770.2).
Genomic context (GRCh38, chr10:26,202,986, plus strand): 5'-AGATTGATGCAATGGTGTGTTTATGTGTTCATTTACAGTCAGGGAAAATTATTAGATTTG[G>T]AAGATTTCTATTATAAGGAATTTTTGCCCAGTCGTTCTGGACCAAAGGAACATAGCCCTA-3'

ClinVar aggregate classification (germline): Likely pathogenic (1 of 4 stars; one submission).

gnomAD v4.1: 1 of 1,613,670 alleles (0.000062%); no homozygotes.

Submission:

GeneDx
Classification: Likely pathogenic. Last evaluated: 2026-04-10. Review status: criteria provided, single submitter. Criteria: GeneDx Variant Classification Process June 2021. Collection method: clinical testing. Allele origin: germline.
Comment: Nonsense variant predicted to result in protein truncation or nonsense mediated decay in a gene for which loss of function is a known mechanism of disease; Not observed at significant frequency in large population cohorts (gnomAD); Has not been previously published as pathogenic or benign to our knowledge